The following is an entry in ClinVar:

NM_003239.5(TGFB3):c.409_417del (p.Ser137_Val139del)

Gene: TGFB3 (transforming growth factor beta 3; minus strand). Cytogenetic location: 14q24.3.
Variant type: Deletion.
Coding change: c.409_417del on transcript NM_003239.5 (MANE Select); coding-DNA positions 409 to 417, 9 bases deleted (TCCTCAGTG; older notation c.409_417delTCCTCAGTG).
Protein change: p.Ser137_Val139del.
Molecular consequence: inframe deletion.
Genome position (GRCh38, 1-based): chr14:75,971,654-75,971,662, CACTGAGGA deleted on the plus strand (TCCTCAGTG on the coding strand, the reverse complement: TGFB3 is on the minus strand); deleting any 9 consecutive bases within chr14:75,971,654-75,971,665 gives the same sequence; the c. name uses the placement nearest the transcript's 3' end. VCF-style (leftmost placement, unchanged base first): chr14-75971653-CCACTGAGGA-C. GRCh37 (hg19) VCF-style: chr14-76437996-CCACTGAGGA-C.
Other names: c.409_417del, p.Ser137_Val139del (NM_001329938.2, NM_001329939.2).
Identifiers: ClinVar variation 945071 (VCV000945071.8), dbSNP rs2035294881, ClinGen allele CA1139663568.

ClinVar aggregate classification (germline): Uncertain significance (1 of 4 stars; one submission).

Conditions:
Rienhoff syndrome. Also called: LOEYS-DIETZ SYNDROME 5. Identifiers: MedGen C3810012, MONDO:0014262, OMIM 615582.

Submission:

Labcorp Genetics (formerly Invitae), Labcorp
Classification: Uncertain significance for Rienhoff syndrome. Last evaluated: 2021-12-23. Review status: criteria provided, single submitter. Criteria: Invitae Variant Classification Sherloc (09022015). Collection method: clinical testing. Allele origin: germline.
Comment: This variant, c.409_417del, results in the deletion of 3 amino acid(s) of the TGFB3 protein (p.Ser137_Val139del), but otherwise preserves the integrity of the reading frame. This variant is not present in population databases (gnomAD no frequency). This variant has not been reported in the literature in individuals affected with TGFB3-related conditions. ClinVar contains an entry for this variant (Variation ID: 945071). Experimental studies and prediction algorithms are not available or were not evaluated, and the functional significance of this variant is currently unknown. In summary, the available evidence is currently insufficient to determine the role of this variant in disease. Therefore, it has been classified as a Variant of Uncertain Significance.